The following is an entry in ClinVar:

ClinVar aggregate classification (germline): Likely benign. Review status: criteria provided, single submitter (1 of 4 stars). 2 submissions from 2 submitters: Likely benign (1). 1 of the submissions does not count toward it. Last evaluated 2024-10-16.

Conditions:
Bardet-Biedl syndrome 16 (BBS16). Identifiers: Orphanet 110, MedGen C3889474, MONDO:0014444, OMIM 615993.
Senior-Loken syndrome 7 (SLSN7). Identifiers: Orphanet 3156, MedGen C3150877, MONDO:0013326, OMIM 613615.
SDCCAG8-related disorder. Also called: SDCCAG8-related condition; SDCCAG8-Related Disorders.

Allele frequency attached by ClinVar (database versions not stated): TOPMed 0.00001; gnomAD exomes 0.00002; gnomAD 0.00003; ExAC 0.00005; ESP Exome Variant Server 0.00008.
gnomAD v4.1: 31 of 1,613,922 alleles (0.0019%); highest among the groups gnomAD compares: Non-Finnish European, 0.0023%; no homozygotes.

Submissions (2):

Labcorp Genetics (formerly Invitae), Labcorp
Classification: Likely benign for Bardet-Biedl syndrome 16; Senior-Loken syndrome 7. Last evaluated: 2024-10-16. Review status: criteria provided, single submitter. Criteria: Invitae Variant Classification Sherloc (09022015). Collection method: clinical testing. Allele origin: germline.

PreventionGenetics, part of Exact Sciences
Classification: Likely benign for SDCCAG8-related condition. Last evaluated: 2022-03-10. Review status: no assertion criteria provided. Collection method: clinical testing. Allele origin: germline. Not counted in ClinVar's aggregate classification.
Comment: This variant is classified as likely benign based on ACMG/AMP sequence variant interpretation guidelines (Richards et al. 2015 PMID: 25741868, with internal and published modifications).

NM_006642.5(SDCCAG8):c.480C>T (p.Leu160=)

Gene: SDCCAG8 (SHH signaling and ciliogenesis regulator SDCCAG8; plus strand). Cytogenetic location: 1q43.
Variant type: single nucleotide variant.
Coding change: c.480C>T on transcript NM_006642.5 (MANE Select); coding-DNA position 480, C replaced by T.
Protein change: p.Leu160=; no amino-acid change (leucine 160 retained).
Molecular consequence: synonymous variant. On other transcripts: 5 prime UTR variant (3).
Genome position (GRCh38, 1-based): chr1:243,286,331, C>T. VCF-style: chr1-243286331-C-T. GRCh37 (hg19) VCF-style: chr1-243449633-C-T.
Other names: c.-633C>T (NM_001350246.2); c.-521C>T (NM_001350247.2); c.480C>T, p.Leu160= (NM_001350248.2); c.186C>T, p.Leu62= (NM_001350249.2); c.-894C>T (NM_001350251.2); c.480C>T (NM_006642.3).
Identifiers: ClinVar variation 2041530 (VCV002041530.6), dbSNP rs371348715, ClinGen allele CA1483320.